The following is an entry in ClinVar:

NM_002029.4(FPR1):c.542C>T (p.Ser181Leu)

Gene: FPR1 (formyl peptide receptor 1; minus strand). Cytogenetic location: 19q13.41.
Variant type: single nucleotide variant.
Coding change: c.542C>T on transcript NM_002029.4 (MANE Select); coding-DNA position 542, C replaced by T.
Protein change: p.Ser181Leu; replaces serine 181 with leucine.
Molecular consequence: missense variant.
Genome position (GRCh38, 1-based): chr19:51,746,453, G>A on the plus strand (C>T on the coding strand, the complement: FPR1 is on the minus strand). VCF-style: chr19-51746453-G-A. GRCh37 (hg19) VCF-style: chr19-52249706-G-A.
Other names: c.542C>T, p.Ser181Leu (NM_001193306.2); short protein forms S181L.
Identifiers: ClinVar variation 660454 (VCV000660454.8), dbSNP rs146075164, ClinGen allele CA9616441.

ClinVar aggregate classification (germline): Uncertain significance (1 of 4 stars; one submission).

Conditions:
Gingival disorder. Also called: Gingival disease. Identifiers: MedGen C0017563, MONDO:0002021.

Allele frequency attached by ClinVar (database versions not stated): gnomAD 0.00001 and 0.00003; gnomAD exomes 0.00001 and 0.00002; ExAC 0.00002; TOPMed 0.00003; ESP Exome Variant Server 0.00008; 1000 Genomes Project 0.00020; 1000 Genomes Project 30x 0.00047.

Submission:

Labcorp Genetics (formerly Invitae), Labcorp
Classification: Uncertain significance for Gingival disorder. Last evaluated: 2025-11-18. Review status: criteria provided, single submitter. Criteria: Invitae Variant Classification Sherloc (09022015). Collection method: clinical testing. Allele origin: germline.
Comment: This sequence change replaces serine, which is neutral and polar, with leucine, which is neutral and non-polar, at codon 181 of the FPR1 protein (p.Ser181Leu). This variant is present in population databases (rs146075164, gnomAD 0.007%). This variant has not been reported in the literature in individuals affected with FPR1-related conditions. ClinVar contains an entry for this variant (Variation ID: 660454). An algorithm developed to predict the effect of missense changes on protein structure and function (PolyPhen-2) suggests that this variant is likely to be tolerated. In summary, the available evidence is currently insufficient to determine the role of this variant in disease. Therefore, it has been classified as a Variant of Uncertain Significance.